The following is an entry in ClinVar:

ClinVar aggregate classification (germline): Benign. Review status: criteria provided, multiple submitters, no conflicts (2 of 4 stars). 4 submissions from 4 submitters: Benign (4). Last evaluated 2026-02-04.

Conditions:
Hyperphosphatasemia with bone disease (PDB5). Also called: PAGET DISEASE OF BONE 5, JUVENILE-ONSET; Paget disease of bone 5; Osteoectasia familial; HYPEROSTOSIS CORTICALIS DEFORMANS JUVENILIS; HYPERPHOSPHATASEMIA, CHRONIC CONGENITAL IDIOPATHIC; HYPERPHOSPHATASIA, FAMILIAL IDIOPATHIC. Identifiers: Orphanet 2801, MedGen C0268414, MONDO:0009394, OMIM 239000.

Allele frequency attached by ClinVar (database versions not stated): gnomAD 0.09843 and 0.09777; gnomAD exomes 0.10510; TOPMed 0.09160; ExAC 0.10960; 1000 Genomes Project 30x 0.07495; 1000 Genomes Project 0.07887; ESP Exome Variant Server 0.10557.
gnomAD v4.1: 193,407 of 1,613,884 alleles (12%); highest among the groups gnomAD compares: South Asian, 14%; 12,614 homozygotes.

Submissions (4):

Labcorp Genetics (formerly Invitae), Labcorp
Classification: Benign. Last evaluated: 2026-02-04. Review status: criteria provided, single submitter. Criteria: Invitae Variant Classification Sherloc (09022015). Collection method: clinical testing. Allele origin: germline.

Illumina Laboratory Services, Illumina
Classification: Benign for Hyperphosphatasemia with bone disease. Last evaluated: 2018-01-13. Review status: criteria provided, single submitter. Criteria: ICSL Variant Classification Criteria 13 December 2019. Collection method: clinical testing. Allele origin: germline.
Comment: This variant was observed in the ICSL laboratory as part of a predisposition screen in an ostensibly healthy population. It had not been previously curated by ICSL or reported in the Human Gene Mutation Database (HGMD: prior to June 1st, 2018), and was therefore a candidate for classification through an automated scoring system. Utilizing variant allele frequency, disease prevalence and penetrance estimates, and inheritance mode, an automated score was calculated to assess if this variant is too frequent to cause the disease. Based on the score and internal cut-off values, a variant classified as benign is not then subjected to further curation. The score for this variant resulted in a classification of benign for this disease.

Breakthrough Genomics
Classification: Benign. Review status: criteria provided, single submitter. Criteria: ACMG Guidelines, 2015. Collection method: not provided. Allele origin: germline. Inheritance: Autosomal recessive inheritance. Affected: yes.

PreventionGenetics, part of Exact Sciences
Classification: Benign. Review status: criteria provided, single submitter. Criteria: ACMG Guidelines, 2015. Collection method: clinical testing. Allele origin: germline.

NM_002546.4(TNFRSF11B):c.400+4C>T

Gene: TNFRSF11B (TNF receptor superfamily member 11b; minus strand). Cytogenetic location: 8q24.12.
Variant type: single nucleotide variant.
Coding change: c.400+4C>T on transcript NM_002546.4 (MANE Select); 4 bases into the intron after coding-DNA position 400, C replaced by T.
Molecular consequence: intron variant.
Genome position (GRCh38, 1-based): chr8:118,932,927, G>A on the plus strand (C>T on the coding strand, the complement: TNFRSF11B is on the minus strand). VCF-style: chr8-118932927-G-A. GRCh37 (hg19) VCF-style: chr8-119945166-G-A.
Identifiers: ClinVar variation 258772 (VCV000258772.14), dbSNP rs1564858, ClinGen allele CA4854935.